The following is an entry in ClinVar:

ClinVar aggregate classification (germline): Uncertain significance (1 of 4 stars; one submission).

Conditions:
Tuberous sclerosis syndrome (TSC). Also called: Tuberous Sclerosis Complex; Tuberous sclerosis. Identifiers: Orphanet 805, MedGen C0041341, MONDO:0001734.

gnomAD v4.1: 3 of 1,607,748 alleles (0.00019%); highest among the groups gnomAD compares: South Asian, 0.0011%; no homozygotes.

Submission:

All of Us Research Program, National Institutes of Health
Classification: Uncertain significance for Tuberous sclerosis syndrome. Last evaluated: 2023-08-23. Review status: criteria provided, single submitter. Criteria: ACMG Guidelines, 2015. Collection method: clinical testing. Allele origin: germline. Inheritance: Autosomal dominant inheritance. Observed: 1 variant allele, 1 heterozygote.
Comment: This variant causes a T to G nucleotide substitution at the -12 position of intron 12 of the TSC1 gene. Splice site prediction tools are inconclusive regarding the impact of this variant on RNA splicing. To our knowledge, functional RNA studies have not been reported for this variant. This variant has not been reported in individuals affected with TSC1-related disorders in the literature. This variant has not been identified in the general population by the Genome Aggregation Database (gnomAD). The available evidence is insufficient to determine the role of this variant in disease conclusively. Therefore, this variant is classified as a Variant of Uncertain Significance.

This study involves interpretation of variants in research participants for the purpose of population health screening. Participant phenotype was not available at the time of variant classification. Additional details can be found in publication PMID: 35346344, PMCID: PMC8962531

NM_000368.5(TSC1):c.1264-12T>G

Gene: TSC1 (TSC complex subunit 1; minus strand). Cytogenetic location: 9q34.13.
Variant type: single nucleotide variant.
Coding change: c.1264-12T>G on transcript NM_000368.5 (MANE Select); 12 bases into the intron before coding-DNA position 1264, T replaced by G.
Molecular consequence: intron variant.
Genome position (GRCh38, 1-based): chr9:132,907,382, A>C on the plus strand (T>G on the coding strand, the complement: TSC1 is on the minus strand). VCF-style: chr9-132907382-A-C. GRCh37 (hg19) VCF-style: chr9-135782769-A-C.
Other names: c.898-12T>G (NM_001406620.1, NM_001406625.1, NM_001406621.1 and 2 more transcripts); c.901-12T>G (NM_001406618.1, NM_001406617.1, NM_001406619.1 and 5 more transcripts); c.1108-12T>G (NM_001406613.1, NM_001406612.1, NM_001406611.1); c.1111-12T>G (NM_001406610.1, NM_001162427.2); c.310-12T>G (NM_001406627.1, NM_001406628.1); c.211-12T>G (NM_001406629.1, NM_001406630.1); c.1261-12T>G (NM_001406603.1, NM_001406609.1, NM_001406597.1 and 6 more transcripts); c.1264-12T>G (NM_001406602.1, NM_001406606.1, NM_001406592.1 and 7 more transcripts); and 1 more.
Identifiers: ClinVar variation 3073141 (VCV003073141.1), dbSNP rs118203508, ClinGen allele CA1129685743.